The following is an entry in ClinVar:

ClinVar aggregate classification (germline): Uncertain significance (1 of 4 stars; one submission).

gnomAD v4.1: 5 of 1,613,836 alleles (0.00031%); highest among the groups gnomAD compares: African/African-American, 0.0067%; no homozygotes.

Submission:

Labcorp Genetics (formerly Invitae), Labcorp
Classification: Uncertain significance. Last evaluated: 2024-05-08. Review status: criteria provided, single submitter. Criteria: Invitae Variant Classification Sherloc (09022015). Collection method: clinical testing. Allele origin: germline.
Comment: This sequence change replaces glutamic acid, which is acidic and polar, with aspartic acid, which is acidic and polar, at codon 265 of the NEDD4L protein (p.Glu265Asp). This variant is present in population databases (no rsID available, gnomAD 0.007%). This variant has not been reported in the literature in individuals affected with NEDD4L-related conditions. Advanced modeling of protein sequence and biophysical properties (such as structural, functional, and spatial information, amino acid conservation, physicochemical variation, residue mobility, and thermodynamic stability) performed at Invitae indicates that this missense variant is not expected to disrupt NEDD4L protein function with a negative predictive value of 80%. In summary, the available evidence is currently insufficient to determine the role of this variant in disease. Therefore, it has been classified as a Variant of Uncertain Significance.

NM_001144967.3(NEDD4L):c.795G>T (p.Glu265Asp)

Gene: NEDD4L (NEDD4 like E3 ubiquitin protein ligase; plus strand). Cytogenetic location: 18q21.31.
Variant type: single nucleotide variant.
Coding change: c.795G>T on transcript NM_001144967.3 (MANE Select); coding-DNA position 795, G replaced by T.
Protein change: p.Glu265Asp; replaces glutamic acid 265 with aspartic acid.
Molecular consequence: missense variant.
Genome position (GRCh38, 1-based): chr18:58,329,109, G>T. VCF-style: chr18-58329109-G-T. GRCh37 (hg19) VCF-style: chr18-55996341-G-T.
Other names: c.432G>T, p.Glu144Asp (NM_001144964.1, NM_001144965.2, NM_001144966.3 and 2 more transcripts); c.771G>T, p.Glu257Asp (NM_001144968.2, NM_001144969.2); c.795G>T, p.Glu265Asp (NM_001243960.2, NM_015277.6); short protein forms E265D, E257D, E144D.
Identifiers: ClinVar variation 3707343 (VCV003707343.2).